The following is an entry in ClinVar:

ClinVar aggregate classification (germline): Pathogenic (1 of 4 stars; one submission).

Conditions:
Developmental and epileptic encephalopathy 94 (DEE94). Also called: CHD2-Related Neurodevelopmental Disorders; Epileptic encephalopathy, childhood-onset. Identifiers: Orphanet 1942, Orphanet 2382, MedGen C3809278, MONDO:0014150, OMIM 615369.

Submission:

Labcorp Genetics (formerly Invitae), Labcorp
Classification: Pathogenic for Developmental and epileptic encephalopathy 94. Last evaluated: 2025-01-15. Review status: criteria provided, single submitter. Criteria: Invitae Variant Classification Sherloc (09022015). Collection method: clinical testing. Allele origin: germline.
Comment: This sequence change affects a donor splice site in intron 9 of the CHD2 gene. It is expected to disrupt RNA splicing. Variants that disrupt the donor or acceptor splice site typically lead to a loss of protein function (PMID: 16199547), and loss-of-function variants in CHD2 are known to be pathogenic (PMID: 23708187, 24207121). This variant is not present in population databases (gnomAD no frequency). Disruption of this splice site has been observed in individual(s) with clinical features of childhood-onset epileptic encephalopathy (internal data). In at least one individual the variant was observed to be de novo. ClinVar contains an entry for this variant (Variation ID: 2814511). Algorithms developed to predict the effect of sequence changes on RNA splicing suggest that this variant may disrupt the consensus splice site. For these reasons, this variant has been classified as Pathogenic.

Literature cited by the submitters: PubMed 16199547; PubMed 23708187; PubMed 24207121.

NM_001271.4(CHD2):c.1052+1G>T

Gene: CHD2 (chromodomain helicase DNA binding protein 2; plus strand). Cytogenetic location: 15q26.1.
Variant type: single nucleotide variant.
Coding change: c.1052+1G>T on transcript NM_001271.4 (MANE Select); the canonical splice donor site of the intron after coding-DNA position 1052, G replaced by T.
Molecular consequence: splice donor variant.
Genome position (GRCh38, 1-based): chr15:92,943,069, G>T. VCF-style: chr15-92943069-G-T. GRCh37 (hg19) VCF-style: chr15-93486299-G-T.
Other names: c.1052+1G>T (NM_001042572.3).
Identifiers: ClinVar variation 2814511 (VCV002814511.3), dbSNP rs2053407255, ClinGen allele CA393902351.